The following is an entry in ClinVar:

NM_000428.3(LTBP2):c.980C>T (p.Thr327Ile)

Gene: LTBP2 (latent transforming growth factor beta binding protein 2; minus strand). Cytogenetic location: 14q24.3.
Variant type: single nucleotide variant.
Coding change: c.980C>T on transcript NM_000428.3 (MANE Select); coding-DNA position 980, C replaced by T.
Protein change: p.Thr327Ile; replaces threonine 327 with isoleucine.
Molecular consequence: missense variant.
Genome position (GRCh38, 1-based): chr14:74,555,544, G>A on the plus strand (C>T on the coding strand, the complement: LTBP2 is on the minus strand). VCF-style: chr14-74555544-G-A. GRCh37 (hg19) VCF-style: chr14-75022247-G-A.
Other names: short protein forms T327I.
Identifiers: ClinVar variation 2855150 (VCV002855150.3), dbSNP rs2506176198, ClinGen allele CA390402627.

ClinVar aggregate classification (germline): Uncertain significance (1 of 4 stars; one submission).

Submission:

Labcorp Genetics (formerly Invitae), Labcorp
Classification: Uncertain significance. Last evaluated: 2023-04-11. Review status: criteria provided, single submitter. Criteria: Invitae Variant Classification Sherloc (09022015). Collection method: clinical testing. Allele origin: germline.
Comment: In summary, the available evidence is currently insufficient to determine the role of this variant in disease. Therefore, it has been classified as a Variant of Uncertain Significance. An algorithm developed to predict the effect of missense changes on protein structure and function (PolyPhen-2) suggests that this variant is likely to be tolerated. This variant has not been reported in the literature in individuals affected with LTBP2-related conditions. This variant is not present in population databases (gnomAD no frequency). This sequence change replaces threonine, which is neutral and polar, with isoleucine, which is neutral and non-polar, at codon 327 of the LTBP2 protein (p.Thr327Ile).